The following is an entry in ClinVar:

ClinVar aggregate classification (germline): Uncertain significance (1 of 4 stars; one submission).

Allele frequency attached by ClinVar (database versions not stated): ExAC 0.00004; gnomAD 0.00004; TOPMed 0.00008.
gnomAD v4.1: 73 of 1,614,096 alleles (0.0045%); highest among the groups gnomAD compares: Admixed American, 0.018%; no homozygotes.

Submission:

Labcorp Genetics (formerly Invitae), Labcorp
Classification: Uncertain significance. Last evaluated: 2025-09-17. Review status: criteria provided, single submitter. Criteria: Invitae Variant Classification Sherloc (09022015). Collection method: clinical testing. Allele origin: germline.
Comment: This sequence change replaces isoleucine, which is neutral and non-polar, with asparagine, which is neutral and polar, at codon 80 of the CD55 protein (p.Ile80Asn). This variant is present in population databases (rs776347919, gnomAD 0.03%). This missense change has been observed in individual(s) with a Cromer blood group antigen, but has not been reported in individuals with CD55-related disease (PMID: 10686005). This variant is also known as Ile46Asn or Es(a-). ClinVar contains an entry for this variant (Variation ID: 2202924). Invitae Evidence Modeling of protein sequence and biophysical properties (such as structural, functional, and spatial information, amino acid conservation, physicochemical variation, residue mobility, and thermodynamic stability) indicates that this missense variant is not expected to disrupt CD55 protein function with a negative predictive value of 80%. In summary, the available evidence is currently insufficient to determine the role of this variant in disease. Therefore, it has been classified as a Variant of Uncertain Significance.

Literature cited by the submitters: PubMed 10686005.

NM_000574.5(CD55):c.239T>A (p.Ile80Asn)

Gene: CD55 (CD55 molecule (Cromer blood group); plus strand). Cytogenetic location: 1q32.2.
Variant type: single nucleotide variant.
Coding change: c.239T>A on transcript NM_000574.5 (MANE Select); coding-DNA position 239, T replaced by A.
Protein change: p.Ile80Asn; replaces isoleucine 80 with asparagine.
Molecular consequence: missense variant. On other transcripts: non-coding transcript variant (1).
Genome position (GRCh38, 1-based): chr1:207,322,520, T>A. VCF-style: chr1-207322520-T-A. GRCh37 (hg19) VCF-style: chr1-207495865-T-A.
Other names: c.239T>A, p.Ile80Asn (NM_001114752.3, NM_001300902.2, NM_001300903.2 and 1 more transcripts); short protein forms I80N.
Identifiers: ClinVar variation 2202924 (VCV002202924.3), dbSNP rs776347919, ClinGen allele CA1367932.